The following is an entry in ClinVar:

ClinVar aggregate classification (germline): Pathogenic. Review status: criteria provided, multiple submitters, no conflicts (2 of 4 stars). 20 submissions from 20 submitters: Pathogenic (16). 4 of the submissions do not count toward it. Last evaluated 2025-06-20.

Conditions:
Developmental and epileptic encephalopathy 93. Also called: EPILEPTIC ENCEPHALOPATHY, INFANTILE OR EARLY CHILDHOOD, 3. Identifiers: MedGen C4693934, MONDO:0020632, OMIM 618012.
Wilson disease (WND). Also called: Wilson's disease. Identifiers: Orphanet 905, MedGen C0019202, MONDO:0010200, OMIM 277900. Disease mechanism: loss of function.

Allele frequency attached by ClinVar (database versions not stated): ExAC 0.00003; 1000 Genomes Project 0.00020; gnomAD 0.00001; TOPMed 0.00001; 1000 Genomes Project 30x 0.00016.
gnomAD v4.1: 18 of 1,614,058 alleles (0.0011%); highest among the groups gnomAD compares: South Asian, 0.011%; no homozygotes.

Submissions 1 to 9 of 20:

Natera, Inc.
Classification: Pathogenic for Wilson disease. Last evaluated: 2025-06-20. Review status: criteria provided, single submitter. Criteria: Natera Variant Classification Schema (03/2026). Collection method: clinical testing. Allele origin: germline.
Comment: The c.1708-1G>C variant in ATP7B is a canonical splice acceptor site variant predicted to affect pre-mRNA splicing, which may result in an abnormal transcript and altered protein product. This variant is expected to result in nonsense mediated decay, truncation, or a dysfunctional protein product. This variant is rare in the general population with a frequency below the threshold expected for the associated phenotype(s). This variant has been observed in one or more individuals affected with the associated recessive disease, as either homozygous or compound heterozygous with a second variant (PMID: 24094725). Given the available evidence, this variant is classified as Pathogenic.

Department of Biochemistry, All India Institute of Medical Sciences, Kalyani
Classification: Pathogenic for Developmental and epileptic encephalopathy 93. Last evaluated: 2025-05-13. Review status: criteria provided, single submitter. Criteria: ACMG Guidelines, 2015. Collection method: clinical testing. Allele origin: germline. Affected: yes.
Comment: The NM_000053.4:c.1708-1G>C, is a canonical splice site variant after exon 5 of ATP7B gene which is predicted to result in splice acceptor defect resulting in an in-frame exon 5 skipping which is a known mechanism of disease (PVS1 – Pathogenic Strong as per PMID:30192042). This effect is also confirmed by functional studies (PMID: 9829905) (PS3- Pathogenic Supporting). This variant was previously reported in 16 different publications (PMID:23843956; PMID:27398169; PMID:23275100; PMID:21034864; PMID:20931554; PMID:10441329; PMID:11060541; PMID:24146181; PMID:24094725; PMID:23518715; PMID:22735241; PMID:18034201; PMID:11405812; PMID:9829905; PMID:7626145; PMID:16283883) (PM3 – Very Strong). This variant has an allele frequency of 0.00001115 in gnomAD v4.1.0 and 0.0001098 in South Asians (PM2 – Pathogenic Moderate). In summary, this variant meets criteria to be classified as pathogenic based on the ACMG/AMP criteria applied, as specified by PVS1, PS3, PM3 & PM2 criteria.

Labcorp Genetics (formerly Invitae), Labcorp
Classification: Pathogenic for Wilson disease. Last evaluated: 2024-07-16. Review status: criteria provided, single submitter. Criteria: Invitae Variant Classification Sherloc (09022015). Collection method: clinical testing. Allele origin: germline.
Comment: This sequence change affects an acceptor splice site in intron 4 of the ATP7B gene. It is expected to disrupt RNA splicing. Variants that disrupt the donor or acceptor splice site typically lead to a loss of protein function (PMID: 16199547), and loss-of-function variants in ATP7B are known to be pathogenic (PMID: 10441329, 16283883). This variant is present in population databases (rs137853280, gnomAD 0.02%). Disruption of this splice site has been observed in individuals with Wilson disease (PMID: 7626145, 9829905, 27398169). This variant is also known as c.1711-1G>C. ClinVar contains an entry for this variant (Variation ID: 3850). Algorithms developed to predict the effect of sequence changes on RNA splicing suggest that this variant may disrupt the consensus splice site. For these reasons, this variant has been classified as Pathogenic.

All of Us Research Program, National Institutes of Health
Classification: Pathogenic for Wilson disease. Last evaluated: 2024-07-10. Review status: criteria provided, single submitter. Criteria: ACMG Guidelines, 2015. Collection method: clinical testing. Allele origin: germline. Inheritance: Autosomal recessive inheritance. Observed: 2 variant alleles, 2 heterozygotes.
Comment: This variant causes a G to C nucleotide substitution at the -1 position of intron 4 of the ATP7B gene. Splice site prediction tools predict that this variant may have a significant impact on RNA splicing. An RNA study showed that this variant causes in-frame skipping of exon 5, which contained the final copper-binding site domain (PMID: 9829905). This variant has been observed in many individuals affected with autosomal recessive Wilson disease (PMID: 7626145, 9829905, 10502777, 11043508, 11060541, 11405812, 16133174, 17823867, 18034201, 20417464, 20931554, 21034864, 23518715, 23843956, 24094725, 24146181, 25089800, 27022412, 27982432, 31172689, 32281751, 33640437, 34002136, 34324271, 35444691, 35782615), including in the compound heterozygous state with a second pathogenic ATP7B variant (PMID: 9829905, 11043508, 16133174, 20417464, 21034864, 23518715, 23843956, 24094725, 24146181, 31172689). This variant has been identified in 8/280856 chromosomes in the general population by the Genome Aggregation Database (gnomAD). Loss of ATP7B function is a known mechanism of disease. Based on the available evidence, this variant is classified as Pathogenic.

This study involves interpretation of variants in research participants for the purpose of population health screening. Participant phenotype was not available at the time of variant classification. Additional details can be found in publication PMID: 35346344, PMCID: PMC8962531

Genetic Services Laboratory, University of Chicago
Classification: Pathogenic. Last evaluated: 2024-06-12. Review status: criteria provided, single submitter. Criteria: ACMG Guidelines, 2015. Collection method: clinical testing. Allele origin: germline. Affected: yes.
Comment: DNA sequence analysis of the ATP7B gene demonstrated a sequence change in the canonical splice acceptor site of intron 4, c.1708-1G>C. This pathogenic sequence change is predicted to affect normal splicing of the ATP7B gene and result in an abnormal protein. This sequence change has been previously described in the homozygous or compound heterozygous state in several individuals with Wilson disease (PMID: 15523622, 34400371, 32043565). An RNA transcriptional assay provided evidence that this variant results in exon skipping (PMID: 9829905). This sequence change has been described in the gnomAD database with a frequency of 0.0001% in the South Asian subpopulation (dbSNP rs137853280). These collective evidences indicate that this sequence change is pathogenic.

Baylor Genetics
Classification: Pathogenic for Wilson disease. Last evaluated: 2024-02-27. Review status: criteria provided, single submitter. Criteria: ACMG Guidelines, 2015. Collection method: clinical testing. Allele origin: unknown.

GeneDx
Classification: Pathogenic. Last evaluated: 2023-08-03. Review status: criteria provided, single submitter. Criteria: GeneDx Variant Classification Process June 2021. Collection method: clinical testing. Allele origin: germline. Affected: yes.
Comment: Canonical splice site variant predicted to result in an in-frame loss of the adjacent exon in a gene for which loss of function is a known mechanism of disease; Also known as c.1711-1 G>C; This variant is associated with the following publications: (PMID: 35470480, 30655162, 34324271, 35446965, 30275481, 30291343, 9829905, 18034201, 22735241, 23518715, 20931554, 24094725, 11060541, 11405812, 23843956, 21034864, 23275100, 24146181, 7626145, 27398169, 33763395)

CeGaT Center for Human Genetics Tuebingen
Classification: Pathogenic. Last evaluated: 2023-07-01. Review status: criteria provided, single submitter. Criteria: CeGaT Center For Human Genetics Tuebingen Variant Classification Criteria Version 2. Collection method: clinical testing. Allele origin: germline. Affected: yes. Observed: 1 variant allele.
Comment: ATP7B: PVS1, PM2, PM3:Supporting, PP4

Neuberg Centre For Genomic Medicine, NCGM
Classification: Pathogenic for Wilson disease. Last evaluated: 2023-06-22. Review status: criteria provided, single submitter. Criteria: ACMG Guidelines, 2015. Collection method: clinical testing. Allele origin: germline. Inheritance: Autosomal recessive inheritance. Affected: yes.
Comment: The observed splice acceptor c.1708-1G>C variant in ATP7B gene has been reported previously in homozygous or compound heterozygous state in individual(s) affected with Wilson disease (WD) (Wang et al., 2023). This variant is reported with the allele frequency of 0.003% in the gnomAD Exomes. This variant has been reported to the ClinVar database as Pathogenic (multiple submissions). The variant affects AG acceptor splice site in the 3' end of intron 4. This variant is predicted to cause loss of normal protein function through protein truncation. Loss of function variants have been previously reported to be disease causing (Gromadzka et al., 2005). The spliceAI tool predicts that this splice site variant is damaging. For these reasons, this variant has been classified as Pathogenic.

NM_000053.4(ATP7B):c.1708-1G>C

Gene: ATP7B (ATPase copper transporting beta; minus strand). Cytogenetic location: 13q14.3.
Variant type: single nucleotide variant.
Coding change: c.1708-1G>C on transcript NM_000053.4 (MANE Select); the canonical splice acceptor site of the intron before coding-DNA position 1708, G replaced by C.
Molecular consequence: splice acceptor variant. On other transcripts: intron variant (3).
Genome position (GRCh38, 1-based): chr13:51,965,034, C>G on the plus strand (G>C on the coding strand, the complement: ATP7B is on the minus strand). VCF-style: chr13-51965034-C-G. GRCh37 (hg19) VCF-style: chr13-52539170-C-G.
Other names: chr13-51965034 C>G; IVS4, G-C, -1; c.1708-1G>C (NM_001406523.1, NM_001406526.1, NM_001406512.1 and 24 more transcripts); c.1612-1G>C (NM_001406518.1, NM_001406544.1, NM_001406536.1 and 3 more transcripts); c.1279-1G>C (NM_001406539.1); c.1375-1G>C (NM_001243182.2); c.1285+8901G>C (NM_001406548.1); c.1675-1G>C (NM_001406524.1, NM_001406514.1); and 1 more.
Identifiers: ClinVar variation 3850 (VCV000003850.61), dbSNP rs137853280, ClinGen allele CA252891.